The following is an entry in ClinVar:

ClinVar aggregate classification (germline): Uncertain significance (1 of 4 stars; one submission).

Conditions:
Inborn genetic diseases. Identifiers: MedGen C0950123, MeSH D030342.

Allele frequency attached by ClinVar (database versions not stated): gnomAD exomes below 0.00001; TOPMed below 0.00001; ExAC 0.00001; gnomAD 0.00001.
gnomAD v4.1: 4 of 1,579,784 alleles (0.00025%); highest among the groups gnomAD compares: Admixed American, 0.0067%; no homozygotes.

Submission:

Ambry Genetics
Classification: Uncertain significance for Inborn genetic diseases. Last evaluated: 2022-08-03. Review status: criteria provided, single submitter. Criteria: Ambry Variant Classification Scheme 2023. Collection method: clinical testing. Allele origin: germline.
Comment: The p.Q1246R variant (also known as c.3737A>G), located in coding exon 20 of the ATR gene, results from an A to G substitution at nucleotide position 3737. The glutamine at codon 1246 is replaced by arginine, an amino acid with highly similar properties. This amino acid position is conserved. In addition, this alteration is predicted to be tolerated by in silico analysis. Since supporting evidence is limited at this time, the clinical significance of this alteration remains unclear.

NM_001184.4(ATR):c.3737A>G (p.Gln1246Arg)

Gene: ATR (ATR checkpoint kinase; minus strand). Cytogenetic location: 3q23.
Variant type: single nucleotide variant.
Coding change: c.3737A>G on transcript NM_001184.4 (MANE Select); coding-DNA position 3737, A replaced by G.
Protein change: p.Gln1246Arg; replaces glutamine 1246 with arginine.
Molecular consequence: missense variant.
Genome position (GRCh38, 1-based): chr3:142,536,190, T>C on the plus strand (A>G on the coding strand, the complement: ATR is on the minus strand). VCF-style: chr3-142536190-T-C. GRCh37 (hg19) VCF-style: chr3-142255032-T-C.
Other names: c.3545A>G, p.Gln1182Arg (NM_001354579.2); short protein forms Q1182R, Q1246R.
Identifiers: ClinVar variation 1734430 (VCV001734430.2), dbSNP rs755831990, ClinGen allele CA2650009.
Genomic context (GRCh38, chr3:142,536,190, plus strand): 5'-GCTTTTATCTTTTTTAATTCTGGATGATCAGGTAAAAAATATATTTCATGAAGAAAATCT[T>C]GCACAGCATCCCTAATAGTTAGTTGGAATAAAAAGAATTATTTGCCAAGAATATGAATAC-3'
Protein context (NP_001175.2, residues 1236-1256): YLIIENRDAV[Gln1246Arg]DFLHEIYFLP